The following is an entry in ClinVar:

NM_020894.4(UVSSA):c.1130A>G (p.Lys377Arg)

Gene: UVSSA (UV stimulated scaffold protein A; plus strand). Cytogenetic location: 4p16.3.
Variant type: single nucleotide variant.
Coding change: c.1130A>G on transcript NM_020894.4 (MANE Select); coding-DNA position 1130, A replaced by G.
Protein change: p.Lys377Arg; replaces lysine 377 with arginine.
Molecular consequence: missense variant.
Genome position (GRCh38, 1-based): chr4:1,355,199, A>G. VCF-style: chr4-1355199-A-G. GRCh37 (hg19) VCF-style: chr4-1348987-A-G.
Other names: c.1130A>G, p.Lys377Arg (NM_001317934.2, NM_001317935.2); short protein forms K377R.
Identifiers: ClinVar variation 3040176 (VCV003040176.4), dbSNP rs200309770, ClinGen allele CA2805962.

ClinVar aggregate classification (germline): Likely benign. Review status: criteria provided, single submitter (1 of 4 stars). 2 submissions from 2 submitters: Likely benign (1). 1 of the submissions does not count toward it. Last evaluated 2026-06-01.

Conditions:
UVSSA-related disorder. Also called: UVSSA-related condition.

Allele frequency attached by ClinVar (database versions not stated): ESP Exome Variant Server 0.00008; TOPMed 0.00022; gnomAD 0.00029; 1000 Genomes Project 30x 0.00031; 1000 Genomes Project 0.00040; gnomAD exomes 0.00050; ExAC 0.00097.
gnomAD v4.1: 780 of 1,613,588 alleles (0.048%); highest among the groups gnomAD compares: South Asian, 0.61%; 12 homozygotes.

Submissions (2):

CeGaT Center for Human Genetics Tuebingen
Classification: Likely benign. Last evaluated: 2026-06-01. Review status: criteria provided, single submitter. Criteria: CeGaT Center For Human Genetics Tuebingen Variant Classification Criteria Version 2. Collection method: clinical testing. Allele origin: germline. Affected: yes. Observed: 1 variant allele.
Comment: UVSSA: BP4, BS2

PreventionGenetics, part of Exact Sciences
Classification: Likely benign for UVSSA-related condition. Last evaluated: 2020-05-08. Review status: no assertion criteria provided. Collection method: clinical testing. Allele origin: germline. Not counted in ClinVar's aggregate classification.
Comment: This variant is classified as likely benign based on ACMG/AMP sequence variant interpretation guidelines (Richards et al. 2015 PMID: 25741868, with internal and published modifications).